The following is an entry in ClinVar:

NM_000257.4(MYH7):c.1261A>G (p.Ile421Val)

Gene: MYH7 (myosin heavy chain 7; minus strand). Cytogenetic location: 14q11.2.
Variant type: single nucleotide variant.
Coding change: c.1261A>G on transcript NM_000257.4 (MANE Select); coding-DNA position 1261, A replaced by G.
Protein change: p.Ile421Val; replaces isoleucine 421 with valine.
Molecular consequence: missense variant.
Genome position (GRCh38, 1-based): chr14:23,429,101, T>C on the plus strand (A>G on the coding strand, the complement: MYH7 is on the minus strand). VCF-style: chr14-23429101-T-C. GRCh37 (hg19) VCF-style: chr14-23898310-T-C.
Other names: short protein forms I421V.
Identifiers: ClinVar variation 580263 (VCV000580263.8), dbSNP rs747189113, ClinGen allele CA028116.

ClinVar aggregate classification (germline): Uncertain significance. Review status: criteria provided, multiple submitters, no conflicts (2 of 4 stars). 4 submissions from 4 submitters: Uncertain significance (4). Last evaluated 2025-04-29.

Conditions:
Cardiomyopathy (CMYO). Also called: Cardiomyopathies. Identifiers: Orphanet 167848, MedGen C0878544, MONDO:0004994, HP:0001638. Inheritance: Various modes of inheritance.
Hypertrophic cardiomyopathy. Also called: HYPERTROPHIC MYOCARDIOPATHY. Identifiers: Orphanet 217569, MedGen C0007194, MeSH D002312, MONDO:0005045, HP:0001639.

Allele frequency attached by ClinVar (database versions not stated): TOPMed below 0.00001; gnomAD exomes 0.00005 and 0.00007; ExAC 0.00011.

Submissions (4):

Labcorp Genetics (formerly Invitae), Labcorp
Classification: Uncertain significance for Hypertrophic cardiomyopathy. Last evaluated: 2025-04-29. Review status: criteria provided, single submitter. Criteria: Invitae Variant Classification Sherloc (09022015). Collection method: clinical testing. Allele origin: germline.
Comment: This sequence change replaces isoleucine, which is neutral and non-polar, with valine, which is neutral and non-polar, at codon 421 of the MYH7 protein (p.Ile421Val). This variant is present in population databases (rs747189113, gnomAD 0.01%). This variant has not been reported in the literature in individuals affected with MYH7-related conditions. ClinVar contains an entry for this variant (Variation ID: 580263). Invitae Evidence Modeling of protein sequence and biophysical properties (such as structural, functional, and spatial information, amino acid conservation, physicochemical variation, residue mobility, and thermodynamic stability) indicates that this missense variant is not expected to disrupt MYH7 protein function with a negative predictive value of 95%. In summary, the available evidence is currently insufficient to determine the role of this variant in disease. Therefore, it has been classified as a Variant of Uncertain Significance.

Blueprint Genetics
Classification: Uncertain significance. Last evaluated: 2024-10-17. Review status: criteria provided, single submitter. Criteria: ACMG Guidelines, 2015. Collection method: clinical testing. Allele origin: germline.

All of Us Research Program, National Institutes of Health
Classification: Uncertain significance for Cardiomyopathy. Last evaluated: 2023-08-16. Review status: criteria provided, single submitter. Criteria: ACMG Guidelines, 2015. Collection method: clinical testing. Allele origin: germline. Inheritance: Autosomal dominant inheritance. Observed: 2 variant alleles, 2 heterozygotes.
Comment: This missense variant replaces isoleucine with valine at codon 421 of the MYH7 protein. This variant is found within a highly conserved region of the myosin head domain. Missense variants in this region have been shown to be significantly overrepresented in individuals with hypertrophic cardiomyopathy (PMID: 27532257). Computational prediction suggests that this variant may not impact protein structure and function (internally defined REVEL score threshold <= 0.5, PMID: 27666373). To our knowledge, functional studies have not been reported for this variant. This variant has not been reported in individuals affected with MYH7-related disorders in the literature. This variant has been identified in 13/251492 chromosomes in the general population by the Genome Aggregation Database (gnomAD). The available evidence is insufficient to determine the role of this variant in disease conclusively. Therefore, this variant is classified as a Variant of Uncertain Significance.

This study involves interpretation of variants in research participants for the purpose of population health screening. Participant phenotype was not available at the time of variant classification. Additional details can be found in publication PMID: 35346344, PMCID: PMC8962531

Color Diagnostics, LLC DBA Color Health
Classification: Uncertain significance for Cardiomyopathy. Last evaluated: 2023-01-11. Review status: criteria provided, single submitter. Criteria: ACMG Guidelines, 2015. Collection method: clinical testing. Allele origin: germline.
Comment: This missense variant replaces isoleucine with valine at codon 421 of the MYH7 protein. This variant is found within a highly conserved region of the myosin head domain. Missense variants in this region have been shown to be significantly overrepresented in individuals with hypertrophic cardiomyopathy (PMID: 27532257). Computational prediction suggests that this variant may not impact protein structure and function (internally defined REVEL score threshold <= 0.5, PMID: 27666373). To our knowledge, functional studies have not been reported for this variant. This variant has not been reported in individuals affected with MYH7-related disorders in the literature. This variant has been identified in 13/251492 chromosomes in the general population by the Genome Aggregation Database (gnomAD). The available evidence is insufficient to determine the role of this variant in disease conclusively. Therefore, this variant is classified as a Variant of Uncertain Significance.

Literature cited by the submitters: PubMed 27532257 (cited by All of Us Research Program, National Institutes of Health and Color Diagnostics, LLC DBA Color Health).